The following continues an entry in ClinVar:

NM_000256.3(MYBPC3):c.1409G>A (p.Arg470Gln)

Gene: MYBPC3. ClinVar aggregate classification (germline): Conflicting classifications of pathogenicity. Likely pathogenic (1); Uncertain significance (11).

Submissions 7 to 12 of 12:

Color Diagnostics, LLC DBA Color Health
Classification: Uncertain significance for Cardiomyopathy. Last evaluated: 2023-06-23. Review status: criteria provided, single submitter. Criteria: ACMG Guidelines, 2015. Collection method: clinical testing. Allele origin: germline.
Comment: This missense variant replaces arginine with glutamine at codon 470 of the MYBPC3 protein. Computational prediction is inconclusive regarding the impact of this variant on protein structure and function (internally defined REVEL score threshold 0.5 < inconclusive < 0.7, PMID: 27666373). To our knowledge, functional studies have not been reported for this variant. This variant has been reported in individuals affected with hypertrophic cardiomyopathy (PMID: 27483260, 27600940, 29398688, 33495597) and in an individual affected with aortic dissection (PMID: 30959811). This variant has been identified in 1/247146 chromosomes in the general population by the Genome Aggregation Database (gnomAD). The available evidence is insufficient to determine the role of this variant in disease conclusively. Therefore, this variant is classified as a Variant of Uncertain Significance.

Blueprint Genetics
Classification: Uncertain significance. Last evaluated: 2022-07-14. Review status: criteria provided, single submitter. Criteria: ACMG Guidelines, 2015. Collection method: clinical testing. Allele origin: germline.

Victorian Clinical Genetics Services, Murdoch Childrens Research Institute
Classification: Uncertain significance for Left ventricular noncompaction 10. Last evaluated: 2022-02-02. Review status: criteria provided, single submitter. Criteria: ACMG Guidelines, 2015. Collection method: clinical testing. Allele origin: germline. Inheritance: Autosomal dominant inheritance. Affected: yes.
Comment: Based on the classification scheme VCGS_Germline_v1.3.4, this variant is classified as VUS-3B. Following criteria are met: 0102 - Loss of function is a known mechanism of disease in this gene and is associated with hypertrophic cardiomyopathy 4 (HCM; MIM#115197). (I) 0108 - This gene is associated with both recessive and dominant disease. Dominant inheritance is frequently reported in adult onset conditions, however recessive inheritance results in a more severe early onset phenotype (OMIM). (I) 0115 - Variants in this gene are known to have variable expressivity (PMID: 32841044). (I) 0200 - Variant is predicted to result in a missense amino acid change from arginine to glutamine. (I) 0251 - This variant is heterozygous. (I) 0302 - Variant is present in gnomAD (v3) <0.001 for a dominant condition (3 heterozygotes, 0 homozygotes). (SP) 0502 - Missense variant with conflicting in silico predictions and uninformative conservation. (I) 0600 - Variant is located in the annotated immunoglobulin I-set domain (Decipher). (I) 0808 - Previous reports of pathogenicity for this variant are conflicting. This variant has been reported in two HCM individuals (PMID: 27600940, PMID: 29398688). (I) 0905 - No published segregation evidence has been identified for this variant. (I) 1007 - No published functional evidence has been identified for this variant. (I) 1208 - Inheritance information for this variant is not currently available in this individual. (I) Legend: (SP) - Supporting pathogenic, (I) - Information, (SB) - Supporting benign

GeneDx
Classification: Uncertain significance. Last evaluated: 2019-01-18. Review status: criteria provided, single submitter. Criteria: GeneDx Variant Classification Process June 2021. Collection method: clinical testing. Allele origin: germline. Affected: yes.
Comment: Reported in association with HCM (Rubattu et al., 2016; Cecconi et al., 2016; Teramoto et al., 2018); Reported in ClinVar but additional evidence is not available (ClinVar Variant ID# 403203; Landrum et al., 2016); Not observed at a significant frequency in large population cohorts (Lek et al., 2016); In silico analysis, which includes protein predictors and evolutionary conservation, supports a deleterious effect; This variant is associated with the following publications: (PMID: 27483260, 25320358, 28679633, 27600940, 21415409, 29398688)

Laboratory for Molecular Medicine, Mass General Brigham Personalized Medicine
Classification: Uncertain significance. Last evaluated: 2016-03-31. Review status: criteria provided, single submitter. Criteria: LMM Criteria. Collection method: clinical testing. Allele origin: germline.
Comment: Variant identified in a genome or exome case(s) and assessed due to predicted null impact of the variant or pathogenic assertions in the literature or databases. Disclaimer: This variant has not undergone full assessment. The following are preliminary notes: 1 paper in HGMD; ExAC: 1/11104 Latino;

CHEO Genetics Diagnostic Laboratory, Children's Hospital of Eastern Ontario
Classification: Uncertain significance for Cardiomyopathy. Last evaluated: 2015-12-11. Review status: criteria provided, single submitter. Criteria: ACMG Guidelines, 2015. Collection method: clinical testing. Allele origin: germline. Study: Canadian Open Genetics Repository.

Literature cited by the submitters: PubMed 27600940 (cited by 6 submitters); PubMed 29398688 (cited by 6 submitters); PubMed 30959811 (cited by 4 submitters); PubMed 32481709 (cited by Ambry Genetics); PubMed 33954932 (cited by Ambry Genetics); PubMed 37466024 (cited by 3 submitters); PubMed 37652022 (cited by 3 submitters); PubMed 27483260 (cited by 4 submitters); PubMed 23233322 (cited by Labcorp Genetics (formerly Invitae), Labcorp); PubMed 33782553 (cited by Labcorp Genetics (formerly Invitae), Labcorp); PubMed 21415409 (cited by Women's Health and Genetics/Laboratory Corporation of America, LabCorp); PubMed 33495597 (cited by All of Us Research Program, National Institutes of Health and Color Diagnostics, LLC DBA Color Health); PubMed 32841044 (cited by Victorian Clinical Genetics Services, Murdoch Childrens Research Institute).